The following is an entry in ClinVar:

NM_001039591.3(USP9X):c.3247C>A (p.Pro1083Thr)

Gene: USP9X (ubiquitin specific peptidase 9 X-linked; plus strand). Cytogenetic location: Xp11.4.
Variant type: single nucleotide variant.
Coding change: c.3247C>A on transcript NM_001039591.3 (MANE Select); coding-DNA position 3247, C replaced by A.
Protein change: p.Pro1083Thr; replaces proline 1083 with threonine.
Molecular consequence: missense variant.
Genome position (GRCh38, 1-based): chrX:41,184,096, C>A. VCF-style: chrX-41184096-C-A. GRCh37 (hg19) VCF-style: chrX-41043349-C-A.
Other names: c.3247C>A, p.Pro1083Thr (NM_001039590.3); c.3262C>A, p.Pro1088Thr (NM_001410748.1, NM_001410749.1, NM_001437534.1); short protein forms P1083T, P1088T.
Identifiers: ClinVar variation 4278498 (VCV004278498.1).

ClinVar aggregate classification (germline): Uncertain significance (1 of 4 stars; one submission).

Submission:

GeneDx
Classification: Uncertain significance. Last evaluated: 2025-04-02. Review status: criteria provided, single submitter. Criteria: GeneDx Variant Classification Process June 2021. Collection method: clinical testing. Allele origin: germline. Affected: yes.
Comment: Not observed at significant frequency in large population cohorts (gnomAD); In silico analysis supports that this missense variant has a deleterious effect on protein structure/function; Has not been previously published as pathogenic or benign to our knowledge